The following is an entry in ClinVar:

NM_001098484.3(SLC4A4):c.807+13T>G

Gene: SLC4A4 (solute carrier family 4 member 4; plus strand). Cytogenetic location: 4q13.3.
Variant type: single nucleotide variant.
Coding change: c.807+13T>G on transcript NM_001098484.3 (MANE Select); 13 bases into the intron after coding-DNA position 807, T replaced by G.
Molecular consequence: intron variant.
Genome position (GRCh38, 1-based): chr4:71,397,666, T>G. VCF-style: chr4-71397666-T-G. GRCh37 (hg19) VCF-style: chr4-72263383-T-G.
Other names: c.807+13T>G (NM_001134742.2); c.675+13T>G (NM_003759.4).
Identifiers: ClinVar variation 907731 (VCV000907731.9), dbSNP rs116455604, ClinGen allele CA2954659.

ClinVar aggregate classification (germline): Benign/Likely benign. Review status: criteria provided, multiple submitters, no conflicts (2 of 4 stars). 3 submissions from 3 submitters: Benign (1); Likely benign (2). Last evaluated 2025-07-03.

Conditions:
Autosomal recessive proximal renal tubular acidosis (PRTAO). Also called: RENAL TUBULAR ACIDOSIS, PROXIMAL, WITH OCULAR ABNORMALITIES AND MENTAL RETARDATION; RENAL TUBULAR ACIDOSIS, PROXIMAL, WITH OCULAR ABNORMALITIES AND IMPAIRED INTELLECTUAL DEVELOPMENT; PROXIMAL RENAL TUBULAR ACIDOSIS-OCULAR ANOMALY SYNDROME; RTA, PROXIMAL, AUTOSOMAL RECESSIVE. Identifiers: Orphanet 93607, MedGen C1970309, MONDO:0011422, OMIM 604278.

Allele frequency attached by ClinVar (database versions not stated): gnomAD exomes 0.00014 and 0.00036; ExAC 0.00044; TOPMed 0.00145; gnomAD 0.00148 and 0.00154; ESP Exome Variant Server 0.00161; 1000 Genomes Project 30x 0.00219; 1000 Genomes Project 0.00220.
gnomAD v4.1: 421 of 1,609,898 alleles (0.026%); highest among the groups gnomAD compares: African/African-American, 0.53%; 2 homozygotes.

Submissions (3):

Labcorp Genetics (formerly Invitae), Labcorp
Classification: Benign. Last evaluated: 2025-07-03. Review status: criteria provided, single submitter. Criteria: Invitae Variant Classification Sherloc (09022015). Collection method: clinical testing. Allele origin: germline.

Fulgent Genetics
Classification: Likely benign for Autosomal recessive proximal renal tubular acidosis. Last evaluated: 2021-09-29. Review status: criteria provided, single submitter. Criteria: ACMG Guidelines, 2015. Collection method: clinical testing. Allele origin: unknown.

Illumina Laboratory Services, Illumina
Classification: Likely benign for Autosomal recessive proximal renal tubular acidosis. Last evaluated: 2018-01-12. Review status: criteria provided, single submitter. Criteria: ICSL Variant Classification Criteria 13 December 2019. Collection method: clinical testing. Allele origin: germline.
Comment: This variant was observed in the ICSL laboratory as part of a predisposition screen in an ostensibly healthy population. It had not been previously curated by ICSL or reported in the Human Gene Mutation Database (HGMD: prior to June 1st, 2018), and was therefore a candidate for classification through an automated scoring system. Utilizing variant allele frequency, disease prevalence and penetrance estimates, and inheritance mode, an automated score was calculated to assess if this variant is too frequent to cause the disease. Based on the score and internal cut-off values, a variant classified as likely benign is not then subjected to further curation. The score for this variant resulted in a classification of likely benign for this disease.